The following is an entry in ClinVar:

NM_001276270.2(MBD4):c.1027G>A (p.Glu343Lys)

Gene: MBD4 (methyl-CpG binding domain 4, DNA glycosylase; minus strand). Cytogenetic location: 3q21.3.
Variant type: single nucleotide variant.
Coding change: c.1027G>A on transcript NM_001276270.2 (MANE Select); coding-DNA position 1027, G replaced by A.
Protein change: p.Glu343Lys; replaces glutamic acid 343 with lysine.
Molecular consequence: missense variant. On other transcripts: intron variant (1).
Genome position (GRCh38, 1-based): chr3:129,436,617, C>T on the plus strand (G>A on the coding strand, the complement: MBD4 is on the minus strand). VCF-style: chr3-129436617-C-T. GRCh37 (hg19) VCF-style: chr3-129155460-C-T.
Other names: c.1027G>A, p.Glu343Lys (NM_001276271.2, NM_001276272.2, NM_003925.3); c.247+1191G>A (NM_001276273.2); short protein forms E343K.
Identifiers: ClinVar variation 4728881 (VCV004728881.2).

ClinVar aggregate classification (germline): Uncertain significance. Review status: criteria provided, multiple submitters, no conflicts (2 of 4 stars). 2 submissions from 2 submitters: Uncertain significance (2). Last evaluated 2026-08-07.

Conditions:
Inborn genetic diseases. Identifiers: MedGen C0950123, MeSH D030342.

Submissions (2):

Ambry Genetics
Classification: Uncertain significance for Inborn genetic diseases. Last evaluated: 2026-08-07. Review status: criteria provided, single submitter. Criteria: Ambry Variant Classification Scheme 2023. Collection method: clinical testing. Allele origin: germline.
Comment: The p.E343K variant (also known as c.1027G>A), located in coding exon 3 of the MBD4 gene, results from a G to A substitution at nucleotide position 1027. The glutamic acid at codon 343 is replaced by lysine, an amino acid with similar properties. This amino acid position is not well conserved in available vertebrate species. In addition, this alteration is predicted to be tolerated by in silico analysis. Based on the available evidence, the clinical significance of this variant remains unclear.

Labcorp Genetics (formerly Invitae), Labcorp
Classification: Uncertain significance. Last evaluated: 2025-10-10. Review status: criteria provided, single submitter. Criteria: Invitae Variant Classification Sherloc (09022015). Collection method: clinical testing. Allele origin: germline.
Comment: This sequence change replaces glutamic acid, which is acidic and polar, with lysine, which is basic and polar, at codon 343 of the MBD4 protein (p.Glu343Lys). This variant is not present in population databases (gnomAD no frequency). This variant has not been reported in the literature in individuals affected with MBD4-related conditions. An algorithm developed to predict the effect of missense changes on protein structure and function (PolyPhen-2) suggests that this variant is likely to be tolerated. In summary, the available evidence is currently insufficient to determine the role of this variant in disease. Therefore, it has been classified as a Variant of Uncertain Significance.